The following is an entry in ClinVar:

NM_006118.4(HAX1):c.559C>G (p.Leu187Val)

Gene: HAX1 (HCLS1 associated protein X-1; plus strand). Cytogenetic location: 1q21.3.
Variant type: single nucleotide variant.
Coding change: c.559C>G on transcript NM_006118.4 (MANE Select); coding-DNA position 559, C replaced by G.
Protein change: p.Leu187Val; replaces leucine 187 with valine.
Molecular consequence: missense variant.
Genome position (GRCh38, 1-based): chr1:154,275,156, C>G. VCF-style: chr1-154275156-C-G. GRCh37 (hg19) VCF-style: chr1-154247632-C-G.
Other names: c.415C>G, p.Leu139Val (NM_001018837.2); short protein forms L139V, L187V.
Identifiers: ClinVar variation 3856894 (VCV003856894.1).

ClinVar aggregate classification (germline): Uncertain significance (1 of 4 stars; one submission).

Conditions:
Inborn genetic diseases. Identifiers: MedGen C0950123, MeSH D030342.

Submission:

Ambry Genetics
Classification: Uncertain significance for Inborn genetic diseases. Last evaluated: 2025-02-21. Review status: criteria provided, single submitter. Criteria: Ambry Variant Classification Scheme 2023. Collection method: clinical testing. Allele origin: germline.
Comment: The p.L187V variant (also known as c.559C>G), located in coding exon 5 of the HAX1 gene, results from a C to G substitution at nucleotide position 559. The leucine at codon 187 is replaced by valine, an amino acid with highly similar properties. This amino acid position is conserved. In addition, the in silico prediction for this alteration is inconclusive. Based on the available evidence, the clinical significance of this variant remains unclear.